The following is an entry in ClinVar:

NM_001267550.2(TTN):c.89893A>G (p.Ile29965Val)

Genes: TTN (titin; minus strand), TTN-AS1 (TTN antisense RNA 1; plus strand). Cytogenetic location: 2q31.2.
Variant type: single nucleotide variant.
Coding change: c.89893A>G on transcript NM_001267550.2 (MANE Select); coding-DNA position 89893, A replaced by G.
Protein change: p.Ile29965Val; replaces isoleucine 29965 with valine.
Molecular consequence: missense variant.
Genome position (GRCh38, 1-based): chr2:178,553,007, T>C on the plus strand (A>G on the coding strand, the complement: TTN is on the minus strand). VCF-style: chr2-178553007-T-C. GRCh37 (hg19) VCF-style: chr2-179417734-T-C.
Other names: c.82189A>G, p.Ile27397Val (NM_133378.4); c.84970A>G, p.Ile28324Val (NM_001256850.1); c.62698A>G, p.Ile20900Val (NM_003319.4); c.63073A>G, p.Ile21025Val (NM_133432.3); c.63274A>G, p.Ile21092Val (NM_133437.4); short protein forms I27397V, I29965V, I28324V, I20900V, I21025V, I21092V.
Identifiers: ClinVar variation 504538 (VCV000504538.5), dbSNP rs370135800, ClinGen allele CA1987858.

ClinVar aggregate classification (germline): Uncertain significance (1 of 4 stars; one submission).

Allele frequency attached by ClinVar (database versions not stated): gnomAD exomes below 0.00001 and 0.00001; ExAC 0.00002; TOPMed 0.00002; gnomAD 0.00003; ESP Exome Variant Server 0.00008.
gnomAD v4.1: 7 of 1,611,684 alleles (0.00043%); highest among the groups gnomAD compares: African/African-American, 0.0067%; no homozygotes.

Submission:

Laboratory for Molecular Medicine, Mass General Brigham Personalized Medicine
Classification: Uncertain significance. Last evaluated: 2016-12-08. Review status: criteria provided, single submitter. Criteria: LMM Criteria. Collection method: clinical testing. Allele origin: germline. Observed: 1 variant allele.
Comment: Variant classified as Uncertain Significance - Favor Benign. The p.Ile27397Val v ariant in TTN has not been previously reported in individuals with cardiomyopath y, but has been identified in 2/9770 African chromosomes by the Exome Aggregatio n Consortium (ExAC; dbSNP rs370135800). Isoleuci ne (Ile) at position 27397 is not conserved in mammals or evolutionarily distant species, and 17 species (including 2 mammals) carry a valine (Val) at this posi tion, supporting that this change may be tolerated. Additional computational pre diction tools suggest that the p.Ile27397Val variant may not impact the protein, though this information is not predictive enough to rule out pathogenicity. In summary, while the clinical significance of the p.Ile27397Val variant is uncerta in, these data suggest that it is more likely to be benign.